The following is an entry in ClinVar:

NM_006947.4(SRP72):c.642+1_642+2del

Gene: SRP72 (signal recognition particle 72; plus strand). Cytogenetic location: 4q12.
Variant type: Deletion.
Coding change: c.642+1_642+2del on transcript NM_006947.4 (MANE Select); the canonical splice donor site of the intron after coding-DNA position 642, 2 bases deleted (GT; older notation c.642+1_642+2delGT).
Molecular consequence: splice donor variant.
Genome position (GRCh38, 1-based): chr4:56,476,703-56,476,704, GT deleted; deleting any 2 consecutive bases within chr4:56,476,702-56,476,704 gives the same sequence; the c. name uses the placement nearest the transcript's 3' end. VCF-style (leftmost placement, unchanged base first): chr4-56476701-CTG-C. GRCh37 (hg19) VCF-style: chr4-57342867-CTG-C.
Other names: NC_000004.11:g.57342869_57342870del; c.642+1_642+2del (NM_001267722.2).
Identifiers: ClinVar variation 4288716 (VCV004288716.2).

ClinVar aggregate classification (germline): Uncertain significance (1 of 4 stars; one submission).

Submissions (2):

GeneDx
Classification: Uncertain significance. Last evaluated: 2025-06-06. Review status: criteria provided, single submitter. Criteria: GeneDx Variant Classification Process June 2021. Collection method: clinical testing. Allele origin: germline. Affected: yes.
Comment: Not observed at significant frequency in large population cohorts (gnomAD); Has not been previously published as pathogenic or benign to our knowledge; Canonical splice site variant in a gene for which loss-of-function is not an established mechanism of disease

Dr. Peter K. Rogan Lab, Western University
No classification provided (evidence only). Condition: Chronic lymphocytic leukemia/small lymphocytic lymphoma. Review status: no classification provided. Collection method: in vitro. Allele origin: not applicable. Functional consequence: skipped exon, retained intron. Not counted in ClinVar's aggregate classification.